The following is an entry in ClinVar:

NM_003361.4(UMOD):c.1429G>A (p.Val477Met)

Gene: UMOD (uromodulin; minus strand). Cytogenetic location: 16p12.3.
Variant type: single nucleotide variant.
Coding change: c.1429G>A on transcript NM_003361.4 (MANE Select); coding-DNA position 1429, G replaced by A.
Protein change: p.Val477Met; replaces valine 477 with methionine.
Molecular consequence: missense variant. On other transcripts: non-coding transcript variant (1).
Genome position (GRCh38, 1-based): chr16:20,341,239, C>T on the plus strand (G>A on the coding strand, the complement: UMOD is on the minus strand). VCF-style: chr16-20341239-C-T. GRCh37 (hg19) VCF-style: chr16-20352561-C-T.
Other names: c.1429G>A, p.Val477Met (NM_001008389.3, NM_001378232.1, NM_001378233.1); c.1528G>A, p.Val510Met (NM_001278614.2); c.1570G>A, p.Val524Met (NM_001378234.1, NM_001378235.1); short protein forms V477M, V524M, V510M.
Identifiers: ClinVar variation 2353098 (VCV002353098.6), dbSNP rs747915538, ClinGen allele CA7939145.
Genomic context (GRCh38, chr16:20,341,239, plus strand): 5'-ACAGGTCGCCCCCATCCAACATGGTGCCCACGTAGAGAAAAGCCTCAGTGGACAGTGTCA[C>T]GGAGGAGCCTTGGTAGGGCTGCGTGTAGGAAGGGGTCTGGAAGAGCGCCATCCGCACGGT-3'
Protein context (NP_003352.2, residues 467-487): SYTQPYQGSS[Val477Met]TLSTEAFLYV

ClinVar aggregate classification (germline): Uncertain significance. Review status: criteria provided, multiple submitters, no conflicts (2 of 4 stars). 3 submissions from 3 submitters: Uncertain significance (3). Last evaluated 2025-12-20.

Conditions:
Familial juvenile hyperuricemic nephropathy type 1 (ADTKD1). Also called: Glomerulocystic kidney disease with hyperuricemia and isosthenuria; Medullary cystic kidney disease 2; UMOD-Associated Kidney Disease; Uromodulin-associated kidney disease; Autosomal Dominant Tubulointerstitial Kidney Disease – UMOD. Identifiers: Orphanet 209886, Orphanet 34149, Orphanet 88950, MedGen C4551496, MONDO:0008073, OMIM 162000.
Inborn genetic diseases. Identifiers: MedGen C0950123, MeSH D030342.

Allele frequency attached by ClinVar (database versions not stated): gnomAD 0.00001; gnomAD exomes 0.00002; ExAC 0.00003; TOPMed 0.00003.

Submissions (3):

Labcorp Genetics (formerly Invitae), Labcorp
Classification: Uncertain significance. Last evaluated: 2025-12-20. Review status: criteria provided, single submitter. Criteria: Invitae Variant Classification Sherloc (09022015). Collection method: clinical testing. Allele origin: germline.
Comment: This sequence change replaces valine, which is neutral and non-polar, with methionine, which is neutral and non-polar, at codon 477 of the UMOD protein (p.Val477Met). This variant is present in population databases (rs747915538, gnomAD 0.04%), and has an allele count higher than expected for a pathogenic variant. This variant has not been reported in the literature in individuals affected with UMOD-related conditions. ClinVar contains an entry for this variant (Variation ID: 2353098). Invitae Evidence Modeling of protein sequence and biophysical properties (such as structural, functional, and spatial information, amino acid conservation, physicochemical variation, residue mobility, and thermodynamic stability) indicates that this missense variant is not expected to disrupt UMOD protein function with a negative predictive value of 80%. In summary, the available evidence is currently insufficient to determine the role of this variant in disease. Therefore, it has been classified as a Variant of Uncertain Significance.

Fulgent Genetics
Classification: Uncertain significance for Familial juvenile hyperuricemic nephropathy type 1. Last evaluated: 2024-01-10. Review status: criteria provided, single submitter. Criteria: ACMG Guidelines, 2015. Collection method: clinical testing. Allele origin: germline.

Ambry Genetics
Classification: Uncertain significance for Inborn genetic diseases. Last evaluated: 2022-04-06. Review status: criteria provided, single submitter. Criteria: Ambry Variant Classification Scheme 2023. Collection method: clinical testing. Allele origin: germline.